The following is an entry in ClinVar:

ClinVar aggregate classification (germline): Uncertain significance (1 of 4 stars; one submission).

Allele frequency attached by ClinVar (database versions not stated): ExAC 0.00001; gnomAD 0.00001; gnomAD exomes 0.00001; TOPMed 0.00001; ESP Exome Variant Server 0.00008.
gnomAD v4.1: 5 of 1,605,864 alleles (0.00031%); highest among the groups gnomAD compares: African/African-American, 0.0013%; no homozygotes.

Submission:

GeneDx
Classification: Uncertain significance. Last evaluated: 2021-05-19. Review status: criteria provided, single submitter. Criteria: GeneDx Variant Classification Process June 2021. Collection method: clinical testing. Allele origin: germline. Affected: yes.
Comment: In silico analysis supports that this missense variant has a deleterious effect on protein structure/function; Has not been previously published as pathogenic or benign to our knowledge

NM_006946.4(SPTBN2):c.5150C>T (p.Ala1717Val)

Gene: SPTBN2 (spectrin beta, non-erythrocytic 2; minus strand). Cytogenetic location: 11q13.2.
Variant type: single nucleotide variant.
Coding change: c.5150C>T on transcript NM_006946.4 (MANE Select); coding-DNA position 5150, C replaced by T.
Protein change: p.Ala1717Val; replaces alanine 1717 with valine.
Molecular consequence: missense variant.
Genome position (GRCh38, 1-based): chr11:66,692,576, G>A on the plus strand (C>T on the coding strand, the complement: SPTBN2 is on the minus strand). VCF-style: chr11-66692576-G-A. GRCh37 (hg19) VCF-style: chr11-66460047-G-A.
Other names: short protein forms A1717V.
Identifiers: ClinVar variation 1186564 (VCV001186564.2), dbSNP rs376579703, ClinGen allele CA6128352.